The following is an entry in ClinVar:

NM_001042492.3(NF1):c.5606T>A (p.Leu1869Ter)

Gene: NF1 (neurofibromin 1; plus strand). Cytogenetic location: 17q11.2.
Variant type: single nucleotide variant.
Coding change: c.5606T>A on transcript NM_001042492.3 (MANE Select); coding-DNA position 5606, T replaced by A.
Protein change: p.Leu1869Ter; replaces leucine 1869 with a stop codon.
Molecular consequence: nonsense.
Genome position (GRCh38, 1-based): chr17:31,327,836, T>A. VCF-style: chr17-31327836-T-A. GRCh37 (hg19) VCF-style: chr17-29654854-T-A.
Other names: c.5543T>A, p.Leu1848Ter (NM_000267.4); short protein forms L1848*, L1869*.
Identifiers: ClinVar variation 2137992 (VCV002137992.5), dbSNP rs1597832482, ClinGen allele CA399010069.

ClinVar aggregate classification (germline): Pathogenic. Review status: criteria provided, multiple submitters, no conflicts (2 of 4 stars). 2 submissions from 2 submitters: Pathogenic (2). Last evaluated 2025-09-30.

Conditions:
Neurofibromatosis, type 1 (NF1). Also called: Peripheral type neurofibromatosis; VON RECKLINGHAUSEN DISEASE; NEUROFIBROMATOSIS, TYPE I, SOMATIC; Neurofibromatosis, type I. Identifiers: Orphanet 636, MedGen C0027831, MONDO:0018975, OMIM 162200. Disease mechanism: loss of function.
Cardiovascular phenotype. Identifiers: MedGen CN230736.
Hereditary cancer-predisposing syndrome. Also called: Tumor predisposition; Hereditary Cancer Syndrome; Hereditary neoplastic syndrome; Neoplastic Syndromes, Hereditary. Identifiers: Orphanet 140162, MedGen C0027672, MeSH D009386, MONDO:0015356.

Submissions (2):

Ambry Genetics
Classification: Pathogenic for Cardiovascular phenotype; Hereditary cancer-predisposing syndrome. Last evaluated: 2025-09-30. Review status: criteria provided, single submitter. Criteria: Ambry Variant Classification Scheme 2023. Collection method: clinical testing. Allele origin: germline.
Comment: The p.L1848* pathogenic mutation (also known as c.5543T>A), located in coding exon 37 of the NF1 gene, results from a T to A substitution at nucleotide position 5543. This changes the amino acid from a leucine to a stop codon within coding exon 37. This variant was reported in individual(s) with features consistent with neurofibromatosis type 1; in at least one individual, it was determined to be de novo (Banerjee S et al. Oncotarget, 2017 Jun;8:39695-39702; Giugliano T et al. Genes (Basel), 2019 Jul;10:; Assunto A et al. Orphanet J Rare Dis, 2019 Nov;14:261; Ambry internal data). This variant is considered to be rare based on population cohorts in the Genome Aggregation Database (gnomAD). This alteration is expected to result in loss of function by premature protein truncation or nonsense-mediated mRNA decay. As such, this alteration is interpreted as a disease-causing mutation.

Labcorp Genetics (formerly Invitae), Labcorp
Classification: Pathogenic for Neurofibromatosis, type 1. Last evaluated: 2022-05-08. Review status: criteria provided, single submitter. Criteria: Invitae Variant Classification Sherloc (09022015). Collection method: clinical testing. Allele origin: germline.
Comment: For these reasons, this variant has been classified as Pathogenic. This premature translational stop signal has been observed in individual(s) with clinical features of neurofibromatosis type I (PMID: 27980226, 31370276). This variant is not present in population databases (gnomAD no frequency). This sequence change creates a premature translational stop signal (p.Leu1848*) in the NF1 gene. It is expected to result in an absent or disrupted protein product. Loss-of-function variants in NF1 are known to be pathogenic (PMID: 10712197, 23913538).

Literature cited by the submitters: PubMed 27980226 (cited by Ambry Genetics and Labcorp Genetics (formerly Invitae), Labcorp); PubMed 31370276 (cited by Ambry Genetics and Labcorp Genetics (formerly Invitae), Labcorp); PubMed 31730495 (cited by Ambry Genetics); PubMed 10712197 (cited by Labcorp Genetics (formerly Invitae), Labcorp); PubMed 23913538 (cited by Labcorp Genetics (formerly Invitae), Labcorp).